The following is an entry in ClinVar:

NM_000548.5(TSC2):c.4429_4430del (p.Arg1477fs)

Gene: TSC2 (TSC complex subunit 2; plus strand). Cytogenetic location: 16p13.3.
Variant type: Microsatellite.
Coding change: c.4429_4430del on transcript NM_000548.5 (MANE Select); coding-DNA positions 4429 to 4430, 2 bases deleted (AG; older notation c.4429_4430delAG).
Protein change: p.Arg1477fs; shifts the reading frame from arginine 1477.
Molecular consequence: frameshift variant.
Genome position (GRCh38, 1-based): chr16:2,084,651-2,084,652, AG deleted; deleting any 2 consecutive bases within chr16:2,084,647-2,084,652 gives the same sequence; the c. name uses the placement nearest the transcript's 3' end. VCF-style (leftmost placement, unchanged base first): chr16-2084646-TAG-T. GRCh37 (hg19) VCF-style: chr16-2134647-TAG-T.
Other names: c.4228_4229del, p.Arg1410fs (NM_001077183.3); c.4360_4361del, p.Arg1454fs (NM_001114382.3); c.4120_4121del, p.Arg1374fs (NM_001318827.2); c.4084_4085del, p.Arg1362fs (NM_001318829.2); c.3697_3698del, p.Arg1233fs (NM_001318831.2); c.4261_4262del, p.Arg1421fs (NM_001318832.2); c.4231_4232del, p.Arg1411fs (NM_001363528.2); c.4297_4298del, p.Arg1433fs (NM_001370404.1); and 1 more; short protein forms R1233fs, R1374fs, R1362fs, R1410fs, R1434fs, R1454fs, R1477fs, R1411fs.
Identifiers: ClinVar variation 578440 (VCV000578440.6), dbSNP rs1567524949, ClinGen allele CA891844196.

ClinVar aggregate classification (germline): Pathogenic (1 of 4 stars; one submission).

Conditions:
Tuberous sclerosis 2 (TSC2). Identifiers: Orphanet 805, MedGen C1860707, MONDO:0013199, OMIM 613254.

Submission:

Labcorp Genetics (formerly Invitae), Labcorp
Classification: Pathogenic for Tuberous sclerosis 2. Last evaluated: 2022-10-30. Review status: criteria provided, single submitter. Criteria: Invitae Variant Classification Sherloc (09022015). Collection method: clinical testing. Allele origin: germline.
Comment: This variant is not present in population databases (gnomAD no frequency). This variant has not been reported in the literature in individuals affected with TSC2-related conditions. ClinVar contains an entry for this variant (Variation ID: 578440). For these reasons, this variant has been classified as Pathogenic. This sequence change creates a premature translational stop signal (p.Arg1477Glyfs*46) in the TSC2 gene. It is expected to result in an absent or disrupted protein product. Loss-of-function variants in TSC2 are known to be pathogenic (PMID: 10205261, 17304050).

Literature cited by the submitters: PubMed 10205261; PubMed 17304050.